The following is an entry in ClinVar:

NM_000137.4(FAH):c.879C>G (p.Tyr293Ter)

Gene: FAH (fumarylacetoacetate hydrolase; plus strand). Cytogenetic location: 15q25.1.
Variant type: single nucleotide variant.
Coding change: c.879C>G on transcript NM_000137.4 (MANE Select); coding-DNA position 879, C replaced by G.
Protein change: p.Tyr293Ter; replaces tyrosine 293 with a stop codon.
Molecular consequence: nonsense.
Genome position (GRCh38, 1-based): chr15:80,175,057, C>G. VCF-style: chr15-80175057-C-G. GRCh37 (hg19) VCF-style: chr15-80467399-C-G.
Other names: c.879C>G, p.Tyr293Ter (NM_001374377.1, NM_001374380.1); short protein forms Y293*.
Identifiers: ClinVar variation 4817564 (VCV004817564.1).

ClinVar aggregate classification (germline): Likely pathogenic (1 of 4 stars; one submission).

Conditions:
Tyrosinemia type I (TYRSN1). Also called: Tyrosinemia type 1; Fumarylacetoacetase deficiency; Deficiency of fumarylacetoacetase; HEPATORENAL TYROSINEMIA; FAH DEFICIENCY. Identifiers: Orphanet 882, MedGen C0268490, MONDO:0010161, OMIM 276700. Disease mechanism: loss of function.

Submission:

Natera, Inc.
Classification: Likely pathogenic for Tyrosinemia type I. Last evaluated: 2024-06-17. Review status: criteria provided, single submitter. Criteria: Natera Variant Classification Schema (03/2026). Collection method: clinical testing. Allele origin: germline.
Comment: The c.879C>G variant in FAH is a nonsense variant predicted to introduce a stop codon at amino acid 293. This variant is expected to result in nonsense mediated decay, truncation, or a dysfunctional protein product. This variant is rare in the general population with a frequency below the threshold expected for the associated phenotype(s). Given the available evidence, this variant is classified as Likely Pathogenic.